The following is an entry in ClinVar:

ClinVar aggregate classification (germline): Uncertain significance (1 of 4 stars; one submission).

Conditions:
2-aminoadipic 2-oxoadipic aciduria (AAKAD). Also called: Aminoadipic aciduria; ALPHA-AMINOADIPIC AND ALPHA-KETOADIPIC ACIDURIA. Identifiers: Orphanet 79154, MedGen C1859817, MONDO:0008774, OMIM 204750.

Allele frequency attached by ClinVar (database versions not stated): ExAC 0.00001; gnomAD 0.00001.
gnomAD v4.1: 5 of 1,614,076 alleles (0.00031%); highest among the groups gnomAD compares: Non-Finnish European, 0.00034%; no homozygotes.

Submission:

Labcorp Genetics (formerly Invitae), Labcorp
Classification: Uncertain significance for 2-aminoadipic 2-oxoadipic aciduria. Last evaluated: 2024-01-25. Review status: criteria provided, single submitter. Criteria: Invitae Variant Classification Sherloc (09022015). Collection method: clinical testing. Allele origin: germline.
Comment: This sequence change replaces serine, which is neutral and polar, with leucine, which is neutral and non-polar, at codon 318 of the DHTKD1 protein (p.Ser318Leu). This variant is present in population databases (rs766731074, gnomAD 0.002%). This variant has not been reported in the literature in individuals affected with DHTKD1-related conditions. An algorithm developed to predict the effect of missense changes on protein structure and function (PolyPhen-2) suggests that this variant is likely to be tolerated. In summary, the available evidence is currently insufficient to determine the role of this variant in disease. Therefore, it has been classified as a Variant of Uncertain Significance.

NM_018706.7(DHTKD1):c.953C>T (p.Ser318Leu)

Gene: DHTKD1 (dehydrogenase E1 and transketolase domain containing 1; plus strand). Cytogenetic location: 10p14.
Variant type: single nucleotide variant.
Coding change: c.953C>T on transcript NM_018706.7 (MANE Select); coding-DNA position 953, C replaced by T.
Protein change: p.Ser318Leu; replaces serine 318 with leucine.
Molecular consequence: missense variant.
Genome position (GRCh38, 1-based): chr10:12,089,221, C>T. VCF-style: chr10-12089221-C-T. GRCh37 (hg19) VCF-style: chr10-12131220-C-T.
Other names: short protein forms S318L.
Identifiers: ClinVar variation 2975415 (VCV002975415.3), dbSNP rs766731074, ClinGen allele CA5407692.